The following is an entry in ClinVar:

ClinVar aggregate classification (germline): VUS-high (0 of 4 stars; one submission).

Conditions:
Autosomal recessive nonsyndromic hearing loss 9. Also called: NEUROSENSORY NONSYNDROMIC RECESSIVE DEAFNESS 9; OTOF-Related Hearing Loss; Deafness, autosomal recessive 9; AUDITORY NEUROPATHY, AUTOSOMAL RECESSIVE, 1, TEMPERATURE-SENSITIVE. Identifiers: Orphanet 90636, MedGen C1832828, MONDO:0010986, OMIM 601071.

Submission:

Diagnosis and Treatment Center of Genetic Hearing Loss, Eye & ENT Hospital of Fudan University
Classification: VUS-high for Autosomal recessive nonsyndromic hearing loss 9. Last evaluated: 2026-02-04. Review status: no assertion criteria provided. Collection method: clinical testing. Allele origin: germline. Inheritance: Autosomal recessive inheritance. Affected: yes.
Comment: The c.4024-4G>T splice region variant in OTOF was shown by minigene assay to cause retention of 709 bp of intron 32 and 345 bp of intron 33 (PVS1_supporting). It is absent from population databases (PM2_Supporting). It has been reported in at least one proband in trans with a likely pathogenic variant (c.898-2A>G) while an additional likely pathogenic variant c.3277G>A occurs in cis (PM3_supporting). In a family it segregated with disease (PP1). The phenotype is consistent with auditory neuropathy (PP4). (PMID: 36458147)

Literature cited by the submitters: PubMed 36458147.

NM_194248.3(OTOF):c.4024-4G>T

Gene: OTOF (otoferlin; minus strand). Cytogenetic location: 2p23.3.
Variant type: single nucleotide variant.
Coding change: c.4024-4G>T on transcript NM_194248.3 (MANE Select); 4 bases into the intron before coding-DNA position 4024, G replaced by T.
Molecular consequence: intron variant.
Genome position (GRCh38, 1-based): chr2:26,468,478, C>A on the plus strand (G>T on the coding strand, the complement: OTOF is on the minus strand). VCF-style: chr2-26468478-C-A. GRCh37 (hg19) VCF-style: chr2-26691346-C-A.
Other names: c.4024-4G>T (NM_001287489.2); c.1723-4G>T (NM_194323.3, NM_004802.4); c.1954-4G>T (NM_194322.3).
Identifiers: ClinVar variation 4879942 (VCV004879942.1).